The following is an entry in ClinVar:

ClinVar aggregate classification (germline): Uncertain significance (1 of 4 stars; one submission).

gnomAD v4.1: 4 of 1,612,488 alleles (0.00025%); highest among the groups gnomAD compares: Non-Finnish European, 0.00025%; no homozygotes.

Submission:

Ambry Genetics
Classification: Uncertain significance. Last evaluated: 2024-09-08. Review status: criteria provided, single submitter. Criteria: Ambry Variant Classification Scheme 2023. Collection method: clinical testing. Allele origin: germline.
Comment: The p.Y154H variant (also known as c.460T>C), located in coding exon 5 of the FAM175A gene, results from a T to C substitution at nucleotide position 460. The tyrosine at codon 154 is replaced by histidine, an amino acid with similar properties. This amino acid position is conserved. In addition, this alteration is predicted to be tolerated by in silico analysis. Since supporting evidence is limited at this time, the clinical significance of this alteration remains unclear.

NM_139076.3(ABRAXAS1):c.460T>C (p.Tyr154His)

Gene: ABRAXAS1 (abraxas 1, BRCA1 A complex subunit; minus strand). Cytogenetic location: 4q21.23.
Variant type: single nucleotide variant.
Coding change: c.460T>C on transcript NM_139076.3 (MANE Select); coding-DNA position 460, T replaced by C.
Protein change: p.Tyr154His; replaces tyrosine 154 with histidine.
Molecular consequence: missense variant.
Genome position (GRCh38, 1-based): chr4:83,470,219, A>G on the plus strand (T>C on the coding strand, the complement: ABRAXAS1 is on the minus strand). VCF-style: chr4-83470219-A-G. GRCh37 (hg19) VCF-style: chr4-84391372-A-G.
Other names: c.133T>C, p.Tyr45His (NM_001345962.2); short protein forms Y154H, Y45H.
Identifiers: ClinVar variation 1800087 (VCV001800087.3), dbSNP rs2529437857, ClinGen allele CA357259698.